The following is an entry in ClinVar:

ClinVar aggregate classification (germline): Pathogenic (1 of 4 stars; one submission).

Conditions:
Hereditary cancer-predisposing syndrome. Also called: Tumor predisposition; Hereditary Cancer Syndrome; Neoplastic Syndromes, Hereditary; Hereditary neoplastic syndrome. Identifiers: Orphanet 140162, MedGen C0027672, MeSH D009386, MONDO:0015356.

Submission:

Ambry Genetics
Classification: Pathogenic for Hereditary cancer-predisposing syndrome. Last evaluated: 2019-04-01. Review status: criteria provided, single submitter. Criteria: Ambry Variant Classification Scheme 2023. Collection method: clinical testing. Allele origin: germline.
Comment: The p.Y845* pathogenic mutation (also known as c.2535T>A), located in coding exon 4 of the MSH6 gene, results from a T to A substitution at nucleotide position 2535. This changes the amino acid from a tyrosine to a stop codon within coding exon 4. This alteration is expected to result in loss of function by premature protein truncation or nonsense-mediated mRNA decay. As such, this alteration is interpreted as a disease-causing mutation.

NM_000179.3(MSH6):c.2535T>A (p.Tyr845Ter)

Gene: MSH6 (mutS homolog 6; plus strand). Cytogenetic location: 2p16.3.
Variant type: single nucleotide variant.
Coding change: c.2535T>A on transcript NM_000179.3 (MANE Select); coding-DNA position 2535, T replaced by A.
Protein change: p.Tyr845Ter; replaces tyrosine 845 with a stop codon.
Molecular consequence: nonsense.
Genome position (GRCh38, 1-based): chr2:47,800,518, T>A. VCF-style: chr2-47800518-T-A. GRCh37 (hg19) VCF-style: chr2-48027657-T-A.
Other names: c.1629T>A, p.Tyr543Ter (NM_001406814.1, NM_001406815.1, NM_001406816.1 and 6 more transcripts); c.2238T>A, p.Tyr746Ter (NM_001406818.1, NM_001406819.1, NM_001406820.1 and 10 more transcripts); c.2145T>A, p.Tyr715Ter (NM_001281492.2); c.2631T>A, p.Tyr877Ter (NM_001406795.1, NM_001406802.1); c.2535T>A, p.Tyr845Ter (NM_001406796.1, NM_001406798.1, NM_001406800.1 and 2 more transcripts); c.2010T>A, p.Tyr670Ter (NM_001406799.1, NM_001406806.1, NM_001406807.1); c.2457T>A, p.Tyr819Ter (NM_001406804.1); c.2541T>A, p.Tyr847Ter (NM_001406813.1); and 1 more; short protein forms Y670*, Y789*, Y845*, Y847*, Y715*, Y819*, Y543*, Y746*.
Identifiers: ClinVar variation 1792759 (VCV001792759.2), dbSNP rs1669476049, ClinGen allele CA346754480.